The following is an entry in ClinVar:

ClinVar aggregate classification (germline): Likely pathogenic. Review status: criteria provided, multiple submitters, no conflicts (2 of 4 stars). 2 submissions from 2 submitters: Likely pathogenic (2). Last evaluated 2024-02-06.

Conditions:
Heyn-Sproul-Jackson syndrome. Also called: MICROCEPHALY, SHORT STATURE, AND IMPAIRED INTELLECTUAL DEVELOPMENT. Identifiers: Orphanet 658595, MedGen C5231475, MONDO:0032882, OMIM 618724.
Tatton-Brown-Rahman overgrowth syndrome. Also called: Tatton-Brown-Rahman syndrome; Tall stature-intellectual disability-facial dysmorphism syndrome. Identifiers: Orphanet 404443, MedGen C4014545, MONDO:0014382, OMIM 615879.
Acute myeloid leukemia (AML). Also called: Leukemia, acute myeloid, somatic; Leukemia, acute myelogenous, somatic; Acute myeloid leukemia, adult; AML adult; Acute non-lymphocytic leukemia; Acute granulocytic leukemia. Identifiers: Orphanet 519, MedGen C0023467, MeSH D015470, MONDO:0018874, OMIM 601626, HP:0004808. Disease mechanism: Constitutively activated FLT3.
Autism spectrum disorder. Also called: Autism spectrum disorders. Identifiers: MedGen C1510586, MeSH D000067877, MONDO:0005258.

gnomAD v4.1: 4 of 1,614,000 alleles (0.00025%); highest among the groups gnomAD compares: South Asian, 0.0011%; no homozygotes.

Submissions (2):

Fulgent Genetics
Classification: Likely pathogenic for Acute myeloid leukemia; Tatton-Brown-Rahman overgrowth syndrome; Heyn-Sproul-Jackson syndrome. Last evaluated: 2024-02-06. Review status: criteria provided, single submitter. Criteria: ACMG Guidelines, 2015. Collection method: clinical testing. Allele origin: germline.

GeneDx
Classification: Likely pathogenic. Last evaluated: 2023-06-28. Review status: criteria provided, single submitter. Criteria: GeneDx Variant Classification Process June 2021. Collection method: clinical testing. Allele origin: germline. Affected: yes.
Comment: Reported in a patient with Tatton-Brown-Rahman syndrome in published literature (Tovy et al., 2021); In silico analysis supports that this missense variant has a deleterious effect on protein structure/function; Not observed at significant frequency in large population cohorts (gnomAD); This variant is associated with the following publications: (PMID: Li2022[Abstract], 34092059)

NM_022552.5(DNMT3A):c.1978T>C (p.Tyr660His)

Gene: DNMT3A (DNA methyltransferase 3 alpha; minus strand). Cytogenetic location: 2p23.3.
Variant type: single nucleotide variant.
Coding change: c.1978T>C on transcript NM_022552.5 (MANE Select); coding-DNA position 1978, T replaced by C.
Protein change: p.Tyr660His; replaces tyrosine 660 with histidine.
Molecular consequence: missense variant. On other transcripts: non-coding transcript variant (1).
Genome position (GRCh38, 1-based): chr2:25,241,666, A>G on the plus strand (T>C on the coding strand, the complement: DNMT3A is on the minus strand). VCF-style: chr2-25241666-A-G. GRCh37 (hg19) VCF-style: chr2-25464535-A-G.
Other names: c.1522T>C, p.Tyr508His (NM_001320893.1); c.1309T>C, p.Tyr437His (NM_001375819.1); c.1411T>C, p.Tyr471His (NM_153759.3); c.1978T>C, p.Tyr660His (NM_175629.2); short protein forms Y437H, Y471H, Y508H, Y660H.
Identifiers: ClinVar variation 1679101 (VCV001679101.6), dbSNP rs1674056899, ClinGen allele CA346071360.